The following is an entry in ClinVar:

NM_024426.6(WT1):c.211C>A (p.Pro71Thr)

Genes: WT1 (WT1 transcription factor; minus strand), LOC107982234 (WT1/WT1-AS bi-directional promoter region; plus strand). Cytogenetic location: 11p13.
Variant type: single nucleotide variant.
Coding change: c.211C>A on transcript NM_024426.6 (MANE Select); coding-DNA position 211, C replaced by A.
Protein change: p.Pro71Thr; replaces proline 71 with threonine.
Molecular consequence: missense variant. On other transcripts: non-coding transcript variant (1).
Genome position (GRCh38, 1-based): chr11:32,435,150, G>T on the plus strand (C>A on the coding strand, the complement: WT1 is on the minus strand). VCF-style: chr11-32435150-G-T. GRCh37 (hg19) VCF-style: chr11-32456696-G-T.
Other names: c.211C>A, p.Pro71Thr (NM_000378.6, NM_024424.5); short protein forms P71T.
Identifiers: ClinVar variation 965500 (VCV000965500.12), dbSNP rs1392405207, ClinGen allele CA379966154.
Genomic context (GRCh38, chr11:32,435,150, plus strand): 5'-GGGAGGGGACGGCGGGCAGCAGCGCGTTCAGGTCCCGCACGTCGGAGCCCATTTGCTGCG[G>T]CTCAGACCCGGACGCCCCGCGGCTCCTCCGGCCCTGGAGACGTTCAGCGCTGGCCTCGGC-3'
Protein context (NP_077744.4, residues 61-81): RRSRGASGSE[Pro71Thr]QQMGSDVRDL

ClinVar aggregate classification (germline): Uncertain significance. Review status: criteria provided, multiple submitters, no conflicts (2 of 4 stars). 3 submissions from 3 submitters: Uncertain significance (3). Last evaluated 2025-07-17.

Conditions:
Drash syndrome (DDS). Also called: WILMS TUMOR AND PSEUDO- OR TRUE HERMAPHRODITISM; NEPHROPATHY, WILMS TUMOR, AND GENITAL ANOMALIES. Identifiers: Orphanet 220, MedGen C0950121, MONDO:0008682, OMIM 194080.
Frasier syndrome. Identifiers: Orphanet 347, MedGen C0950122, MeSH D052159, MONDO:0007635, OMIM 136680.
Wilms tumor 1 (WT1). Also called: Wilms tumor, somatic. Identifiers: Orphanet 654, MedGen CN033288, MONDO:0008679, OMIM 194070.
11p partial monosomy syndrome (WAGR). Also called: WAGR syndrome; CHROMOSOME 11p13 DELETION SYNDROME; WAGR Complex; WAGR Spectrum Disorder. Identifiers: Orphanet 893, MedGen C0206115, MONDO:0008681, OMIM 194072.
Inborn genetic diseases. Identifiers: MedGen C0950123, MeSH D030342.
Meacham syndrome. Also called: Meacham Winn Culler syndrome. Identifiers: Orphanet 3097, MedGen C1837026, MONDO:0012164, OMIM 608978.
Mesothelioma, malignant (MESOM). Also called: Malignant mesothelioma (disease). Identifiers: Orphanet 50251, MedGen C0345967, MONDO:0006292, OMIM 156240, HP:0100001.
Nephrotic syndrome, type 4 (NPHS4). Also called: Familial mesangial sclerosis; Nephrotic syndrome, early onset with diffuse mesangial sclerosis. Identifiers: Orphanet 656, MedGen C3151568, MONDO:0009733, OMIM 256370.

Allele frequency attached by ClinVar (database versions not stated): gnomAD exomes 0.00001.
gnomAD v4.1: 6 of 1,522,930 alleles (0.00039%); highest among the groups gnomAD compares: East Asian, 0.0025%; no homozygotes.

Submissions (3):

Labcorp Genetics (formerly Invitae), Labcorp
Classification: Uncertain significance for Wilms tumor 1; Drash syndrome; 11p partial monosomy syndrome; Frasier syndrome. Last evaluated: 2025-07-17. Review status: criteria provided, single submitter. Criteria: Invitae Variant Classification Sherloc (09022015). Collection method: clinical testing. Allele origin: germline.
Comment: This sequence change replaces proline, which is neutral and non-polar, with threonine, which is neutral and polar, at codon 66 of the WT1 protein (p.Pro66Thr). The frequency data for this variant in the population databases is considered unreliable, as metrics indicate poor data quality at this position in the gnomAD database. This variant has not been reported in the literature in individuals affected with WT1-related conditions. ClinVar contains an entry for this variant (Variation ID: 965500). Invitae Evidence Modeling of protein sequence and biophysical properties (such as structural, functional, and spatial information, amino acid conservation, physicochemical variation, residue mobility, and thermodynamic stability) has been performed for this missense variant. However, the output from this modeling did not meet the statistical confidence thresholds required to predict the impact of this variant on WT1 protein function. In summary, the available evidence is currently insufficient to determine the role of this variant in disease. Therefore, it has been classified as a Variant of Uncertain Significance.

Ambry Genetics
Classification: Uncertain significance for Inborn genetic diseases. Last evaluated: 2025-05-31. Review status: criteria provided, single submitter. Criteria: Ambry Variant Classification Scheme 2023. Collection method: clinical testing. Allele origin: germline.
Comment: The p.P66T variant (also known as c.196C>A), located in coding exon 1 of the WT1 gene, results from a C to A substitution at nucleotide position 196. The proline at codon 66 is replaced by threonine, an amino acid with highly similar properties. This amino acid position is conserved. In addition, this alteration is predicted to be tolerated by in silico analysis. Based on the available evidence, the clinical significance of this variant remains unclear.

Fulgent Genetics
Classification: Uncertain significance for Frasier syndrome; Mesothelioma, malignant; Wilms tumor 1; Drash syndrome; Nephrotic syndrome, type 4; Meacham syndrome. Last evaluated: 2024-03-18. Review status: criteria provided, single submitter. Criteria: ACMG Guidelines, 2015. Collection method: clinical testing. Allele origin: germline.